The following is an entry in ClinVar:

NM_001292063.2(OTOG):c.1012T>C (p.Cys338Arg)

Gene: OTOG (otogelin; plus strand). Cytogenetic location: 11p15.1.
Variant type: single nucleotide variant.
Coding change: c.1012T>C on transcript NM_001292063.2 (MANE Select); coding-DNA position 1012, T replaced by C.
Protein change: p.Cys338Arg; replaces cysteine 338 with arginine.
Molecular consequence: missense variant.
Genome position (GRCh38, 1-based): chr11:17,558,553, T>C. VCF-style: chr11-17558553-T-C. GRCh37 (hg19) VCF-style: chr11-17580100-T-C.
Other names: c.1048T>C, p.Cys350Arg (NM_001277269.2); short protein forms C338R, C350R.
Identifiers: ClinVar variation 1904245 (VCV001904245.5), dbSNP rs1327116901, ClinGen allele CA379815721.
Genomic context (GRCh38, chr11:17,558,553, plus strand): 5'-TGGCTTTGCCAGCCCCTAGCCCTGGCTCCTGGTCCCTTGCTCTAGGGCGTGTACGAGCAG[T>C]GTGAGGCTCTACTGCGGCCCCCCTTTGACGCCTGCCACGCCTACGTCAGCCCTCTGCCCT-3'
Protein context (NP_001278992.1, residues 328-348): PGTMQGVYEQ[Cys338Arg]EALLRPPFDA

ClinVar aggregate classification (germline): Uncertain significance (1 of 4 stars; one submission).

Allele frequency attached by ClinVar (database versions not stated): gnomAD exomes 0.00001; gnomAD 0.00003.
gnomAD v4.1: 17 of 1,550,358 alleles (0.0011%); highest among the groups gnomAD compares: Non-Finnish European, 0.0014%; no homozygotes.

Submission:

Labcorp Genetics (formerly Invitae), Labcorp
Classification: Uncertain significance. Last evaluated: 2022-09-13. Review status: criteria provided, single submitter. Criteria: Invitae Variant Classification Sherloc (09022015). Collection method: clinical testing. Allele origin: germline.
Comment: In summary, the available evidence is currently insufficient to determine the role of this variant in disease. Therefore, it has been classified as a Variant of Uncertain Significance. This sequence change replaces cysteine, which is neutral and slightly polar, with arginine, which is basic and polar, at codon 350 of the OTOG protein (p.Cys350Arg). This variant is present in population databases (no rsID available, gnomAD 0.03%). This variant has not been reported in the literature in individuals affected with OTOG-related conditions. Algorithms developed to predict the effect of missense changes on protein structure and function are either unavailable or do not agree on the potential impact of this missense change (SIFT: "Deleterious"; PolyPhen-2: "Probably Damaging"; Align-GVGD: "Class C0").